The following is an entry in ClinVar:

ClinVar aggregate classification (germline): Pathogenic (0 of 4 stars; one submission).

Conditions:
Polycystic kidney disease. Also called: Polycystic kidney dysplasia; Kidney, Polycystic. Identifiers: MedGen C0022680, MeSH D007690, MONDO:0020642, HP:0000113.

Submission:

Department of Pathology and Laboratory Medicine, Sinai Health System
Classification: Pathogenic for Polycystic Kidney disease. Review status: no assertion criteria provided. Collection method: clinical testing. Allele origin: unknown. Affected: yes. Study: The Canadian Open Genetics Repository (COGR).
Comment: The PKD1 p.Glu4220* variant was identified in 1 of 404 proband chromosomes (frequency: 0.003) from individuals or families with autosomal dominant polycystic kidney disease (Rossetti 2007). The variant was also identified in ADPKD Mutation Database (as definitely pathogenic). The variant was not identified in the dbSNP, ClinVar, LOVD 3.0, or PKD1-LOVD databases. The variant was not identified in the following control databases: the Exome Aggregation Consortium (August 8th 2016) or the Genome Aggregation Database (Feb 27, 2017). One study reports that the p.Glu4220* variant occurs within the PKD1 coiled-coil domain, the site of PKD2 binding (Gainullin, 2015). The p.Glu4220* variant leads to a premature stop codon at position 4220, which is predicted to lead to a truncated or absent protein and loss of function. Loss of function variants of the PKD1 gene are an established mechanism of disease in autosomal dominant polycystic kidney disease and is the type of variant expected to cause the disorder. In summary, based on the above information, this variant meets our laboratoryâ€šÃ„Ã´s criteria to be classified as pathogenic.

NM_001009944.3(PKD1):c.12658G>T (p.Glu4220Ter)

Gene: PKD1 (polycystin 1, transient receptor potential channel interacting; minus strand). Cytogenetic location: 16p13.3.
Variant type: single nucleotide variant.
Coding change: c.12658G>T on transcript NM_001009944.3 (MANE Select); coding-DNA position 12658, G replaced by T.
Protein change: p.Glu4220Ter; replaces glutamic acid 4220 with a stop codon.
Molecular consequence: nonsense.
Genome position (GRCh38, 1-based): chr16:2,089,981, C>A on the plus strand (G>T on the coding strand, the complement: PKD1 is on the minus strand). VCF-style: chr16-2089981-C-A. GRCh37 (hg19) VCF-style: chr16-2139982-C-A.
Other names: c.12655G>T, p.Glu4219Ter (NM_000296.4); short protein forms E4219*, E4220*.
Identifiers: ClinVar variation 997404 (VCV000997404.1), dbSNP rs2091397048, ClinGen allele CA394321313.